The following is an entry in ClinVar:

ClinVar aggregate classification (germline): Uncertain significance (1 of 4 stars; one submission).

Conditions:
Familial adenomatous polyposis 1 (FAP1). Also called: FAMILIAL ADENOMATOUS POLYPOSIS 1, ATTENUATED; POLYPOSIS, ADENOMATOUS INTESTINAL. Identifiers: MedGen C2713442, MONDO:0021056, OMIM 175100. Disease mechanism: loss of function.

Submission:

Labcorp Genetics (formerly Invitae), Labcorp
Classification: Uncertain significance for Familial adenomatous polyposis 1. Last evaluated: 2023-06-27. Review status: criteria provided, single submitter. Criteria: Invitae Variant Classification Sherloc (09022015). Collection method: clinical testing. Allele origin: germline.
Comment: In summary, the available evidence is currently insufficient to determine the role of this variant in disease. Therefore, it has been classified as a Variant of Uncertain Significance. Experimental studies and prediction algorithms are not available or were not evaluated, and the functional significance of this variant is currently unknown. This variant has not been reported in the literature in individuals affected with APC-related conditions. This variant is not present in population databases (gnomAD no frequency). This variant occurs in a non-coding region of the APC gene. It does not change the encoded amino acid sequence of the APC protein.

NM_001127511.3(APC):c.6C>T (p.Tyr2=)

Gene: APC (APC regulator of Wnt signaling pathway; plus strand). Cytogenetic location: 5q22.2.
Variant type: single nucleotide variant.
Coding change: c.6C>T on transcript NM_001127511.3; coding-DNA position 6, C replaced by T.
Protein change: p.Tyr2=; no amino-acid change (tyrosine 2 retained).
Molecular consequence: synonymous variant. On other transcripts: 5 prime UTR variant (8), non-coding transcript variant (1), intron variant (5).
Genome position (GRCh38, 1-based): chr5:112,707,723, C>T. VCF-style: chr5-112707723-C-T. GRCh37 (hg19) VCF-style: chr5-112043420-C-T.
Other names: c.-178C>T (NM_001354895.2, NM_001407447.1, NM_001407452.1 and 3 more transcripts); c.6C>T, p.Tyr2= (NM_001354897.2, NM_001354902.2, NM_001407446.1); c.-1213C>T (NM_001407470.1, NM_001407472.1); c.-19+74C>T (NM_001407448.1, NM_001407450.1, NM_001407457.1 and 1 more transcripts); c.-43+74C>T (NM_001407453.1).
Identifiers: ClinVar variation 2799631 (VCV002799631.3), dbSNP rs2149630471, ClinGen allele CA2674863615.
Genomic context (GRCh38, chr5:112,707,723, plus strand): 5'-CTGTTGGTGAGGAAGGTGAAGCACTCAGTTGCCTTCTCGGGCCTCGGCGCCCCCTATGTA[C>T]GCCTCCCTGGGCTCGGGTCCGGTCGCCCCTTTGCCCGCTTCTGTACCACCCTCAGTTCTC-3'